The following is an entry in ClinVar:

NM_003072.5(SMARCA4):c.3430G>A (p.Glu1144Lys)

Gene: SMARCA4 (SWI/SNF related BAF chromatin remodeling complex subunit ATPase 4; plus strand). Cytogenetic location: 19p13.2.
Variant type: single nucleotide variant.
Coding change: c.3430G>A on transcript NM_003072.5 (MANE Select); coding-DNA position 3430, G replaced by A.
Protein change: p.Glu1144Lys; replaces glutamic acid 1144 with lysine.
Molecular consequence: missense variant. On other transcripts: non-coding transcript variant (1).
Genome position (GRCh38, 1-based): chr19:11,030,777, G>A. VCF-style: chr19-11030777-G-A. GRCh37 (hg19) VCF-style: chr19-11141453-G-A.
Other names: c.3430G>A, p.Glu1144Lys (NM_001128844.3, NM_001128845.2, NM_001128846.2 and 4 more transcripts); short protein forms E1144K.
Identifiers: ClinVar variation 823766 (VCV000823766.8), dbSNP rs1600364662, ClinGen allele CA404062723.

ClinVar aggregate classification (germline): Uncertain significance. Review status: criteria provided, multiple submitters, no conflicts (2 of 4 stars). 2 submissions from 2 submitters: Uncertain significance (2). Last evaluated 2025-07-24.

Conditions:
Rhabdoid tumor predisposition syndrome 2 (RTPS2). Identifiers: Orphanet 231108, Orphanet 69077, MedGen C2750074, MONDO:0013224, OMIM 613325.
Hereditary cancer-predisposing syndrome. Also called: Neoplastic Syndromes, Hereditary; Tumor predisposition; Hereditary neoplastic syndrome; Hereditary Cancer Syndrome. Identifiers: Orphanet 140162, MedGen C0027672, MeSH D009386, MONDO:0015356.

Submissions (2):

Ambry Genetics
Classification: Uncertain significance for Hereditary cancer-predisposing syndrome. Last evaluated: 2025-07-24. Review status: criteria provided, single submitter. Criteria: Ambry Variant Classification Scheme 2023. Collection method: clinical testing. Allele origin: germline.
Comment: The p.E1144K variant (also known as c.3430G>A), located in coding exon 24 of the SMARCA4 gene, results from a G to A substitution at nucleotide position 3430. The glutamic acid at codon 1144 is replaced by lysine, an amino acid with similar properties. This amino acid position is well conserved in available vertebrate species. In addition, this alteration is predicted to be tolerated by in silico analysis. Based on the available evidence, the clinical significance of this variant remains unclear.

Labcorp Genetics (formerly Invitae), Labcorp
Classification: Uncertain significance for Rhabdoid tumor predisposition syndrome 2. Last evaluated: 2024-04-17. Review status: criteria provided, single submitter. Criteria: Invitae Variant Classification Sherloc (09022015). Collection method: clinical testing. Allele origin: germline.
Comment: This sequence change replaces glutamic acid, which is acidic and polar, with lysine, which is basic and polar, at codon 1144 of the SMARCA4 protein (p.Glu1144Lys). This variant is not present in population databases (gnomAD no frequency). This variant has not been reported in the literature in individuals affected with SMARCA4-related conditions. ClinVar contains an entry for this variant (Variation ID: 823766). Advanced modeling of protein sequence and biophysical properties (such as structural, functional, and spatial information, amino acid conservation, physicochemical variation, residue mobility, and thermodynamic stability) has been performed at Invitae for this missense variant, however the output from this modeling did not meet the statistical confidence thresholds required to predict the impact of this variant on SMARCA4 protein function. In summary, the available evidence is currently insufficient to determine the role of this variant in disease. Therefore, it has been classified as a Variant of Uncertain Significance.